The following is an entry in ClinVar:

NM_001354483.2(CSGALNACT1):c.582T>A (p.Pro194=)

Gene: CSGALNACT1 (chondroitin sulfate N-acetylgalactosaminyltransferase 1; minus strand). Cytogenetic location: 8p21.3.
Variant type: single nucleotide variant.
Coding change: c.582T>A on transcript NM_001354483.2 (MANE Select); coding-DNA position 582, T replaced by A.
Protein change: p.Pro194=; no amino-acid change (proline 194 retained).
Molecular consequence: synonymous variant. On other transcripts: non-coding transcript variant (7).
Genome position (GRCh38, 1-based): chr8:19,505,253, A>T on the plus strand (T>A on the coding strand, the complement: CSGALNACT1 is on the minus strand). VCF-style: chr8-19505253-A-T. GRCh37 (hg19) VCF-style: chr8-19362764-A-T.
Other names: c.582T>A, p.Pro194= (NM_001130518.2, NM_001354475.2, NM_001354476.2 and 18 more transcripts); c.582T>A (NM_001130518.1).
Identifiers: ClinVar variation 1646753 (VCV001646753.10), dbSNP rs147530390, ClinGen allele CA4654209.

ClinVar aggregate classification (germline): Likely benign. Review status: criteria provided, multiple submitters, no conflicts (2 of 4 stars). 3 submissions from 3 submitters: Likely benign (3). Last evaluated 2026-01-15.

Conditions:
CSGALNACT1-related disorder. Also called: CSGALNACT1-related condition.

Allele frequency attached by ClinVar (database versions not stated): ESP Exome Variant Server 0.00038; 1000 Genomes Project 30x 0.00047; 1000 Genomes Project 0.00060; TOPMed 0.00065.
gnomAD v4.1: 320 of 1,614,158 alleles (0.02%); highest among the groups gnomAD compares: African/African-American, 0.2%; 1 homozygote.

Submissions (3):

PreventionGenetics, part of Exact Sciences
Classification: Likely benign for CSGALNACT1-related condition. Last evaluated: 2026-01-15. Review status: criteria provided, single submitter. Criteria: ACMG Guidelines, 2015. Collection method: clinical testing. Allele origin: germline.
Comment: This variant is classified as likely benign based on ACMG/AMP sequence variant interpretation guidelines (Richards et al. 2015 PMID: 25741868, with internal and published modifications).

Labcorp Genetics (formerly Invitae), Labcorp
Classification: Likely benign. Last evaluated: 2025-12-25. Review status: criteria provided, single submitter. Criteria: Invitae Variant Classification Sherloc (09022015). Collection method: clinical testing. Allele origin: germline.

Blueprint Genetics
Classification: Likely benign. Last evaluated: 2024-11-11. Review status: criteria provided, single submitter. Criteria: ACMG Guidelines, 2015. Collection method: clinical testing. Allele origin: germline.